The following is an entry in ClinVar:

ClinVar aggregate classification (germline): Pathogenic. Review status: criteria provided, multiple submitters, no conflicts (2 of 4 stars). 2 submissions from 2 submitters: Pathogenic (2). Last evaluated 2025-04-07.

Conditions:
Hereditary cancer-predisposing syndrome. Also called: Neoplastic Syndromes, Hereditary; Hereditary Cancer Syndrome; Tumor predisposition; Hereditary neoplastic syndrome. Identifiers: Orphanet 140162, MedGen C0027672, MeSH D009386, MONDO:0015356.

Allele frequency attached by ClinVar (database versions not stated): gnomAD exomes below 0.00001.

Submissions (2):

Ambry Genetics
Classification: Pathogenic for Hereditary cancer-predisposing syndrome. Last evaluated: 2025-04-07. Review status: criteria provided, single submitter. Criteria: Ambry Variant Classification Scheme 2023. Collection method: clinical testing. Allele origin: germline.
Comment: The c.5226delC pathogenic mutation, located in coding exon 10 of the BRCA2 gene, results from a deletion of one nucleotide at nucleotide position 5226, causing a translational frameshift with a predicted alternate stop codon (p.N1742Kfs*35). This variant is considered to be rare based on population cohorts in the Genome Aggregation Database (gnomAD). This alteration is expected to result in loss of function by premature protein truncation or nonsense-mediated mRNA decay. As such, this alteration is interpreted as a disease-causing mutation.

GeneDx
Classification: Pathogenic. Last evaluated: 2015-02-20. Review status: criteria provided, single submitter. Criteria: GeneDx Variant Classification (06012015). Collection method: clinical testing. Allele origin: germline. Affected: yes.
Comment: This deletion of one nucleotide in BRCA2 is denoted c.5226delC at the cDNA level and p.Asn1742LysfsX35 (N1742KfsX35) at the protein level. Using alternate nomenclature, this variant would be defined as BRCA2 5454delC. The normal sequence, with the base that is deleted in brackets, is GTAA[delC]AGTA. The deletion causes a frameshift, which changes an Asparagine to a Lysine at codon 1742, and creates a premature stop codon at position 35 of the new reading frame. Although this variant has not, to our knowledge, been reported in the literature, it is predicted to cause loss of normal protein function through either protein truncation or nonsense-mediated mRNA decay. we consider this variant to be pathogenic.

NM_000059.4(BRCA2):c.5226del (p.Asn1742fs)

Gene: BRCA2 (BRCA2 DNA repair associated; plus strand). Cytogenetic location: 13q13.1.
Variant type: Deletion.
Coding change: c.5226del on transcript NM_000059.4 (MANE Select); coding-DNA position 5226, one base deleted (C; older notation c.5226delC).
Protein change: p.Asn1742fs; shifts the reading frame from asparagine 1742.
Molecular consequence: frameshift variant.
Genome position (GRCh38, 1-based): chr13:32,339,581, C deleted. VCF-style (leftmost placement, unchanged base first): chr13-32339580-AC-A. GRCh37 (hg19) VCF-style: chr13-32913717-AC-A.
Other names: c.5226delC (NM_000059.3); short protein forms N1742fs.
Identifiers: ClinVar variation 545727 (VCV000545727.3), dbSNP rs1555284121, ClinGen allele CA658823642.